The following is an entry in ClinVar:

NM_001349253.2(SCN11A):c.3348del (p.Lys1116fs)

Gene: SCN11A (sodium voltage-gated channel alpha subunit 11; minus strand). Cytogenetic location: 3p22.2.
Variant type: Deletion.
Coding change: c.3348del on transcript NM_001349253.2 (MANE Select); coding-DNA position 3348, one base deleted (G; older notation c.3348delG).
Protein change: p.Lys1116fs; shifts the reading frame from lysine 1116.
Molecular consequence: frameshift variant.
Genome position (GRCh38, 1-based): chr3:38,879,995, C deleted on the plus strand (G on the coding strand, the reverse complement: SCN11A is on the minus strand). VCF-style (leftmost placement, unchanged base first): chr3-38879994-AC-A. GRCh37 (hg19) VCF-style: chr3-38921485-AC-A.
Other names: c.3348del, p.Lys1116fs (NM_014139.3); short protein forms K1116fs.
Identifiers: ClinVar variation 2954060 (VCV002954060.3), dbSNP rs2471053008, ClinGen allele CA2740094354.
Genomic context (GRCh38, chr3:38,879,994, plus strand): 5'-GAGATGGTAAACTTACAATCACAATGATGAAATCAAGGCAGCACCAGGCACTGGTGAAAT[AC>A]TTTCCAAATCCGAAGGCTACCCATTTTAGTACCATCTCCAGGATAAAAATATGTGTAAAA-3'

ClinVar aggregate classification (germline): Uncertain significance (1 of 4 stars; one submission).

Conditions:
Familial episodic pain syndrome with predominantly lower limb involvement. Also called: Episodic pain syndrome, familial, 3. Identifiers: Orphanet 391384, Orphanet 391392, MedGen C3809899, MONDO:0014247, OMIM 615552.
Hereditary sensory and autonomic neuropathy type 7. Also called: HSAN VII; Neuropathy, hereditary sensory and autonomic, type VII. Identifiers: Orphanet 391397, MedGen C3809882, MONDO:0014244, OMIM 615548.

Submission:

Labcorp Genetics (formerly Invitae), Labcorp
Classification: Uncertain significance for Familial episodic pain syndrome with predominantly lower limb involvement; Hereditary sensory and autonomic neuropathy type 7. Last evaluated: 2023-11-20. Review status: criteria provided, single submitter. Criteria: Invitae Variant Classification Sherloc (09022015). Collection method: clinical testing. Allele origin: germline.
Comment: This sequence change creates a premature translational stop signal (p.Lys1116Asnfs*15) in the SCN11A gene. It is expected to result in an absent or disrupted protein product. However, the current clinical and genetic evidence is not sufficient to establish whether loss-of-function variants in SCN11A cause disease. This variant is not present in population databases (gnomAD no frequency). This variant has not been reported in the literature in individuals affected with SCN11A-related conditions. In summary, the available evidence is currently insufficient to determine the role of this variant in disease. Therefore, it has been classified as a Variant of Uncertain Significance.